The following is an entry in ClinVar:

NM_001145715.3(KPNA7):c.454G>T (p.Val152Leu)

Gene: KPNA7 (karyopherin subunit alpha 7; minus strand). Cytogenetic location: 7q22.1.
Variant type: single nucleotide variant.
Coding change: c.454G>T on transcript NM_001145715.3 (MANE Select); coding-DNA position 454, G replaced by T.
Protein change: p.Val152Leu; replaces valine 152 with leucine.
Molecular consequence: missense variant.
Genome position (GRCh38, 1-based): chr7:99,195,169, C>A on the plus strand (G>T on the coding strand, the complement: KPNA7 is on the minus strand). VCF-style: chr7-99195169-C-A. GRCh37 (hg19) VCF-style: chr7-98792792-C-A.
Other names: short protein forms V152L.
Identifiers: ClinVar variation 854932 (VCV000854932.8), dbSNP rs1045902211, ClinGen allele CA163746628.

ClinVar aggregate classification (germline): Uncertain significance (1 of 4 stars; one submission).

Allele frequency attached by ClinVar (database versions not stated): TOPMed 0.00005.
gnomAD v4.1: 5 of 1,551,474 alleles (0.00032%); highest among the groups gnomAD compares: African/African-American, 0.0069%; no homozygotes.

Submission:

Labcorp Genetics (formerly Invitae), Labcorp
Classification: Uncertain significance. Last evaluated: 2022-08-21. Review status: criteria provided, single submitter. Criteria: Invitae Variant Classification Sherloc (09022015). Collection method: clinical testing. Allele origin: germline.
Comment: In summary, the available evidence is currently insufficient to determine the role of this variant in disease. Therefore, it has been classified as a Variant of Uncertain Significance. Algorithms developed to predict the effect of missense changes on protein structure and function are either unavailable or do not agree on the potential impact of this missense change (SIFT: "Deleterious"; PolyPhen-2: "Possibly Damaging"; Align-GVGD: "Class C0"). ClinVar contains an entry for this variant (Variation ID: 854932). This variant has not been reported in the literature in individuals affected with KPNA7-related conditions. The frequency data for this variant in the population databases is considered unreliable, as metrics indicate poor data quality at this position in the gnomAD database. This sequence change replaces valine, which is neutral and non-polar, with leucine, which is neutral and non-polar, at codon 152 of the KPNA7 protein (p.Val152Leu).